The following is an entry in ClinVar:

ClinVar aggregate classification (germline): Likely benign. Review status: criteria provided, multiple submitters, no conflicts (2 of 4 stars). 4 submissions from 4 submitters: Likely benign (4). Last evaluated 2025-11-03.

Conditions:
Cardiovascular phenotype. Identifiers: MedGen CN230736.
Catecholaminergic polymorphic ventricular tachycardia (CVPT). Also called: Catecholamine-induced polymorphic ventricular tachycardia. Identifiers: Orphanet 3286, MedGen C5574922, MONDO:0017990.
Cardiomyopathy (CMYO). Also called: Cardiomyopathies. Identifiers: Orphanet 167848, MedGen C0878544, MONDO:0004994, HP:0001638. Inheritance: Various modes of inheritance.
Catecholaminergic polymorphic ventricular tachycardia 1. Also called: VENTRICULAR TACHYCARDIA, STRESS-INDUCED POLYMORPHIC 1; RYR2-Related Catecholaminergic Polymorphic Ventricular Tachycardia; VENTRICULAR TACHYCARDIA, CATECHOLAMINERGIC POLYMORPHIC, 1, WITH OR WITHOUT ATRIAL DYSFUNCTION AND/OR DILATED CARDIOMYOPATHY. Identifiers: Orphanet 3286, MedGen C1631597, MONDO:0011484, OMIM 604772.

Allele frequency attached by ClinVar (database versions not stated): ExAC 0.00002; gnomAD exomes 0.00002; TOPMed 0.00002.
gnomAD v4.1: 8 of 1,614,026 alleles (0.0005%); highest among the groups gnomAD compares: Admixed American, 0.013%; no homozygotes.

Submissions (4):

Labcorp Genetics (formerly Invitae), Labcorp
Classification: Likely benign for Catecholaminergic polymorphic ventricular tachycardia 1. Last evaluated: 2025-11-03. Review status: criteria provided, single submitter. Criteria: Invitae Variant Classification Sherloc (09022015). Collection method: clinical testing. Allele origin: germline.

All of Us Research Program, National Institutes of Health
Classification: Likely benign for Catecholaminergic polymorphic ventricular tachycardia. Last evaluated: 2023-11-20. Review status: criteria provided, single submitter. Criteria: ACMG Guidelines, 2015. Collection method: clinical testing. Allele origin: germline. Inheritance: Autosomal dominant inheritance. Observed: 1 variant allele, 1 heterozygote.
Comment: This study involves interpretation of variants in research participants for the purpose of population health screening. Participant phenotype was not available at the time of variant classification. Additional details can be found in publication PMID: 35346344, PMCID: PMC8962531

Ambry Genetics
Classification: Likely benign for Cardiovascular phenotype. Last evaluated: 2023-06-17. Review status: criteria provided, single submitter. Criteria: Ambry Variant Classification Scheme 2023. Collection method: clinical testing. Allele origin: germline.

Color Diagnostics, LLC DBA Color Health
Classification: Likely benign for Cardiomyopathy. Last evaluated: 2022-11-06. Review status: criteria provided, single submitter. Criteria: ACMG Guidelines, 2015. Collection method: clinical testing. Allele origin: germline.

NM_001035.3(RYR2):c.5574G>A (p.Glu1858=)

Gene: RYR2 (ryanodine receptor 2; plus strand). Cytogenetic location: 1q43.
Variant type: single nucleotide variant.
Coding change: c.5574G>A on transcript NM_001035.3 (MANE Select); coding-DNA position 5574, G replaced by A.
Protein change: p.Glu1858=; no amino-acid change (glutamic acid 1858 retained).
Molecular consequence: synonymous variant.
Genome position (GRCh38, 1-based): chr1:237,614,702, G>A. VCF-style: chr1-237614702-G-A. GRCh37 (hg19) VCF-style: chr1-237778002-G-A.
Other names: c.5574G>A, p.Glu1858= (LRG_402t1).
Identifiers: ClinVar variation 412832 (VCV000412832.17), dbSNP rs752393757, ClinGen allele CA086911.